The following is an entry in ClinVar:

NM_001354930.2(RIPK1):c.1705G>T (p.Ala569Ser)

Gene: RIPK1 (receptor interacting serine/threonine kinase 1; plus strand). Cytogenetic location: 6p25.2.
Variant type: single nucleotide variant.
Coding change: c.1705G>T on transcript NM_001354930.2 (MANE Select); coding-DNA position 1705, G replaced by T.
Protein change: p.Ala569Ser; replaces alanine 569 with serine.
Molecular consequence: missense variant.
Genome position (GRCh38, 1-based): chr6:3,110,931, G>T. VCF-style: chr6-3110931-G-T. GRCh37 (hg19) VCF-style: chr6-3111165-G-T.
Other names: c.1216G>T, p.Ala406Ser (NM_001317061.3, NM_001354932.2, NM_001354933.2 and 1 more transcripts); c.1567G>T, p.Ala523Ser (NM_001354931.2); c.1705G>T, p.Ala569Ser (NM_003804.6); short protein forms A569S, A406S, A523S.
Identifiers: ClinVar variation 4702862 (VCV004702862.1).

ClinVar aggregate classification (germline): Uncertain significance (1 of 4 stars; one submission).

gnomAD v4.1: 2 of 1,613,250 alleles (0.00012%); highest among the groups gnomAD compares: Middle Eastern, 0.033%; no homozygotes.

Submission:

Labcorp Genetics (formerly Invitae), Labcorp
Classification: Uncertain significance. Last evaluated: 2025-11-01. Review status: criteria provided, single submitter. Criteria: Invitae Variant Classification Sherloc (09022015). Collection method: clinical testing. Allele origin: germline.
Comment: This sequence change replaces alanine, which is neutral and non-polar, with serine, which is neutral and polar, at codon 569 of the RIPK1 protein (p.Ala569Ser). This variant is not present in population databases (gnomAD no frequency). This variant has not been reported in the literature in individuals affected with RIPK1-related conditions. An algorithm developed to predict the effect of missense changes on protein structure and function (PolyPhen-2) suggests that this variant is likely to be tolerated. In summary, the available evidence is currently insufficient to determine the role of this variant in disease. Therefore, it has been classified as a Variant of Uncertain Significance.